The following is an entry in ClinVar:

ClinVar aggregate classification (germline): Uncertain significance (1 of 4 stars; one submission).

Allele frequency attached by ClinVar (database versions not stated): TOPMed below 0.00001; gnomAD exomes 0.00001.
gnomAD v4.1: 15 of 1,613,306 alleles (0.00093%); highest among the groups gnomAD compares: Non-Finnish European, 0.0013%; no homozygotes.

Submission:

Labcorp Genetics (formerly Invitae), Labcorp
Classification: Uncertain significance. Last evaluated: 2024-09-04. Review status: criteria provided, single submitter. Criteria: Invitae Variant Classification Sherloc (09022015). Collection method: clinical testing. Allele origin: germline.
Comment: This sequence change replaces asparagine, which is neutral and polar, with lysine, which is basic and polar, at codon 138 of the SUCLG2 protein (p.Asn138Lys). This variant is present in population databases (no rsID available, gnomAD 0.002%). This variant has not been reported in the literature in individuals affected with SUCLG2-related conditions. An algorithm developed to predict the effect of missense changes on protein structure and function outputs the following: PolyPhen-2: "Benign". The lysine amino acid residue is found in multiple mammalian species, which suggests that this missense change does not adversely affect protein function. In summary, the available evidence is currently insufficient to determine the role of this variant in disease. Therefore, it has been classified as a Variant of Uncertain Significance.

NM_003848.4(SUCLG2):c.414C>A (p.Asn138Lys)

Gene: SUCLG2 (succinate-CoA ligase GDP-forming subunit beta; minus strand). Cytogenetic location: 3p14.1.
Variant type: single nucleotide variant.
Coding change: c.414C>A on transcript NM_003848.4 (MANE Select); coding-DNA position 414, C replaced by A.
Protein change: p.Asn138Lys; replaces asparagine 138 with lysine.
Molecular consequence: missense variant.
Genome position (GRCh38, 1-based): chr3:67,528,135, G>T on the plus strand (C>A on the coding strand, the complement: SUCLG2 is on the minus strand). VCF-style: chr3-67528135-G-T. GRCh37 (hg19) VCF-style: chr3-67578559-G-T.
Other names: c.414C>A, p.Asn138Lys (NM_001177599.2); short protein forms N138K.
Identifiers: ClinVar variation 2900802 (VCV002900802.3), dbSNP rs1414617054, ClinGen allele CA353554774.
Genomic context (GRCh38, chr3:67,528,135, plus strand): 5'-TTTTCTTTTCTATTTTTTAACACATATATAGAAAATGACCCAAAGTATCCATATTACCTT[G>T]TTAACTTTCACACCTTCTTTTGGAGTTTGTTTTGTCGCTAGATTGTACCCAATCATCTGT-3'
Protein context (NP_003839.2, residues 128-148): KQTPKEGVKV[Asn138Lys]KVMVAEALDI